The following continues an entry in ClinVar:

NM_022168.4(IFIH1):c.2465G>A (p.Arg822Gln)

Gene: IFIH1. ClinVar aggregate classification (germline): Pathogenic/Likely pathogenic. Pathogenic (13); Likely pathogenic (3).

Submissions 16 to 20 of 20:

3billion
Classification: Pathogenic for Singleton-Merten syndrome 1. Review status: criteria provided, single submitter. Criteria: ACMG Guidelines, 2015. Collection method: clinical testing. Allele origin: unknown. Affected: yes. Observed: 1 heterozygote.
Comment: The variant is observed at an allele frequency greater than expected for the associated disorder in the gnomAD v2.1.1 dataset. Missense changes are a common disease-causing mechanism. Functional studies provide moderate evidence of the variant having a damaging effect on the gene or gene product (PMID: 25620204). In silico tool predictions suggest damaging effect of the variant on gene or gene product (REVEL: 0.98; 3Cnet: 0.92). Same nucleotide change resulting in same amino acid change has been previously reported as pathogenic/likely pathogenic with strong evidence (ClinVar ID: VCV000189338 / PMID: 25620204). The variant has been previously reported as de novo in a similarly affected individual (PMID: 25620204). The variant has been observed in at least two similarly affected unrelated individuals (PMID: 25620204). Therefore, this variant is classified as Pathogenic according to the recommendation of ACMG/AMP guideline.

OMIM
Classification: Pathogenic for SINGLETON-MERTEN SYNDROME 1. Last evaluated: 2015-02-05. Review status: no assertion criteria provided. Collection method: literature only. Allele origin: germline. Not counted in ClinVar's aggregate classification.

OMIM
Classification: Pathogenic for AICARDI-GOUTIERES SYNDROME 7. Last evaluated: 2015-02-05. Review status: no assertion criteria provided. Collection method: literature only. Allele origin: germline. Not counted in ClinVar's aggregate classification.

Genome Diagnostics Laboratory, Amsterdam University Medical Center
Classification: Pathogenic. Review status: no assertion criteria provided. Collection method: clinical testing. Allele origin: germline. Affected: yes. Study: VKGL Data-share Consensus. Not counted in ClinVar's aggregate classification.

Laboratory of Diagnostic Genome Analysis, Leiden University Medical Center (LUMC)
Classification: Likely pathogenic. Review status: no assertion criteria provided. Collection method: clinical testing. Allele origin: germline. Affected: yes. Study: VKGL Data-share Consensus. Not counted in ClinVar's aggregate classification.

Literature cited by the submitters: PubMed 25620204 (cited by 5 submitters); PubMed 28319323 (cited by 3 submitters); PubMed 35410415 (cited by Variantyx, Inc. and Ambry Genetics); PubMed 31898846 (cited by Variantyx, Inc.); PubMed 28475458 (cited by 3 submitters); PubMed 35754802 (cited by 3 submitters); PubMed 36426976 (cited by Ambry Genetics); Feigenbaum, A., Kumar, A., Weksberg, R. Singleton-Merten (S-M) syndrome: autosomal dominant transmission with variable expression. (Abstract) Am. J. Hum. Genet. 43: A48-only, 1988. (cited by OMIM); Rutsch, F., Kehl, H. G., Ruf, N., Vogt, J., Kleinheinz, J., Rauch, F., Hofbauer, L. C., Rehder, H., Arslan-Kirchner, M., Nurnberg, P. Singleton-Merten syndrome: evidence of autosomal dominant inheritance in the first European family. (Abstract) Europ. J. Hum. Genet. 13: 112-113 (P0154), 2005. (cited by OMIM); PubMed 21070929 (cited by OMIM).